The following is an entry in ClinVar:

NM_000188.3(HK1):c.2639A>C (p.Lys880Thr)

Gene: HK1 (hexokinase 1; plus strand). Cytogenetic location: 10q22.1.
Variant type: single nucleotide variant.
Coding change: c.2639A>C on transcript NM_000188.3 (MANE Select); coding-DNA position 2639, A replaced by C.
Protein change: p.Lys880Thr; replaces lysine 880 with threonine.
Molecular consequence: missense variant.
Genome position (GRCh38, 1-based): chr10:69,401,020, A>C. VCF-style: chr10-69401020-A-C. GRCh37 (hg19) VCF-style: chr10-71160776-A-C.
Other names: c.2651A>C, p.Lys884Thr (NM_001322364.2, NM_001358263.1, NM_033497.3 and 1 more transcripts); c.2744A>C, p.Lys915Thr (NM_001322365.2); c.2555A>C, p.Lys852Thr (NM_001322366.1); c.2543A>C, p.Lys848Thr (NM_001322367.1); c.2636A>C, p.Lys879Thr (NM_033496.3); c.2603A>C, p.Lys868Thr (NM_033500.2); short protein forms K852T, K879T, K848T, K868T, K915T, K880T, K884T.
Identifiers: ClinVar variation 1374805 (VCV001374805.8), dbSNP rs2132986251, ClinGen allele CA376918057.

ClinVar aggregate classification (germline): Uncertain significance (1 of 4 stars; one submission).

Submission:

Labcorp Genetics (formerly Invitae), Labcorp
Classification: Uncertain significance. Last evaluated: 2022-06-05. Review status: criteria provided, single submitter. Criteria: Invitae Variant Classification Sherloc (09022015). Collection method: clinical testing. Allele origin: germline.
Comment: In summary, the available evidence is currently insufficient to determine the role of this variant in disease. Therefore, it has been classified as a Variant of Uncertain Significance. This sequence change replaces lysine, which is basic and polar, with threonine, which is neutral and polar, at codon 880 of the HK1 protein (p.Lys880Thr). This variant is not present in population databases (gnomAD no frequency). This variant has not been reported in the literature in individuals affected with HK1-related conditions. ClinVar contains an entry for this variant (Variation ID: 1374805). Algorithms developed to predict the effect of missense changes on protein structure and function are either unavailable or do not agree on the potential impact of this missense change (SIFT: "Deleterious"; PolyPhen-2: "Benign"; Align-GVGD: "Class C0").